The following is an entry in ClinVar:

NM_000037.4(ANK1):c.3984+9A>G

Gene: ANK1 (ankyrin 1; minus strand). Cytogenetic location: 8p11.21.
Variant type: single nucleotide variant.
Coding change: c.3984+9A>G on transcript NM_000037.4 (MANE Select); 9 bases into the intron after coding-DNA position 3984, A replaced by G.
Molecular consequence: intron variant.
Genome position (GRCh38, 1-based): chr8:41,690,465, T>C on the plus strand (A>G on the coding strand, the complement: ANK1 is on the minus strand). VCF-style: chr8-41690465-T-C. GRCh37 (hg19) VCF-style: chr8-41547983-T-C.
Other names: p.?; c.3984+9A>G (NM_020476.2, NM_020477.3, NM_020475.3 and 1 more transcripts); c.4107+9A>G (NM_001142446.2).
Identifiers: ClinVar variation 362999 (VCV000362999.16), dbSNP rs369984591, ClinGen allele CA4727724.

ClinVar aggregate classification (germline): Conflicting classifications of pathogenicity. Review status: criteria provided, conflicting classifications (1 of 4 stars). 6 submissions from 5 submitters: Uncertain significance (2); Likely benign (4). Last evaluated 2026-01-25.

Conditions:
Hereditary spherocytosis type 1. Also called: Spherocytosis type 1; ANK1-Related Spherocytosis. Identifiers: Orphanet 822, MedGen C2674218, MONDO:0008447, OMIM 182900.
ANK1-related disorder. Also called: ANK1-related condition.
Spherocytosis. Identifiers: MedGen C0553720, HP:0004444.

Allele frequency attached by ClinVar (database versions not stated): gnomAD exomes 0.00014 and 0.00027; 1000 Genomes Project 30x 0.00016; 1000 Genomes Project 0.00020; gnomAD 0.00027 and 0.00029; ExAC 0.00030; TOPMed 0.00041; ESP Exome Variant Server 0.00062.
gnomAD v4.1: 261 of 1,614,140 alleles (0.016%); highest among the groups gnomAD compares: Middle Eastern, 0.15%; 1 homozygote.

Submissions (6):

Labcorp Genetics (formerly Invitae), Labcorp
Classification: Likely benign. Last evaluated: 2026-01-25. Review status: criteria provided, single submitter. Criteria: Invitae Variant Classification Sherloc (09022015). Collection method: clinical testing. Allele origin: germline.

PreventionGenetics, part of Exact Sciences
Classification: Likely benign for ANK1-related condition. Last evaluated: 2025-08-29. Review status: criteria provided, single submitter. Criteria: ACMG Guidelines, 2015. Collection method: clinical testing. Allele origin: germline.
Comment: This variant is classified as likely benign based on ACMG/AMP sequence variant interpretation guidelines (Richards et al. 2015 PMID: 25741868, with internal and published modifications).

Blueprint Genetics
Classification: Likely benign. Last evaluated: 2024-11-08. Review status: criteria provided, single submitter. Criteria: ACMG Guidelines, 2015. Collection method: clinical testing. Allele origin: germline.

Mayo Clinic Laboratories, Mayo Clinic
Classification: Likely benign. Last evaluated: 2024-05-29. Review status: criteria provided, single submitter. Criteria: ACMG Guidelines, 2015. Collection method: clinical testing. Allele origin: germline. Observed: 3 variant alleles.
Comment: BP4, BP7

Illumina Laboratory Services, Illumina
Classification: Uncertain significance for Hereditary spherocytosis type 1. Last evaluated: 2018-01-13. Review status: criteria provided, single submitter. Criteria: ICSL Variant Classification Criteria 13 December 2019. Collection method: clinical testing. Allele origin: germline.

Illumina Laboratory Services, Illumina
Classification: Uncertain significance for Spherocytosis. Last evaluated: 2018-01-13. Review status: criteria provided, single submitter. Criteria: ICSL Variant Classification Criteria 13 December 2019. Collection method: clinical testing. Allele origin: germline.